The following is an entry in ClinVar:

NM_004385.5(VCAN):c.8327A>G (p.His2776Arg)

Genes: VCAN (versican; plus strand), VCAN-AS1 (VCAN antisense RNA 1; minus strand). Cytogenetic location: 5q14.3.
Variant type: single nucleotide variant.
Coding change: c.8327A>G on transcript NM_004385.5 (MANE Select); coding-DNA position 8327, A replaced by G.
Protein change: p.His2776Arg; replaces histidine 2776 with arginine.
Molecular consequence: missense variant. On other transcripts: intron variant (2).
Genome position (GRCh38, 1-based): chr5:83,541,330, A>G. VCF-style: chr5-83541330-A-G. GRCh37 (hg19) VCF-style: chr5-82837149-A-G.
Other names: c.5366A>G, p.His1789Arg (NM_001164097.2); c.4004-4207A>G (NM_001164098.2); c.1043-4207A>G (NM_001126336.3); c.8327A>G (NM_004385.4); short protein forms H1789R, H2776R.
Identifiers: ClinVar variation 1397401 (VCV001397401.9), dbSNP rs142481399, ClinGen allele CA3333786.

ClinVar aggregate classification (germline): Uncertain significance. Review status: criteria provided, multiple submitters, no conflicts (2 of 4 stars). 2 submissions from 2 submitters: Uncertain significance (2). Last evaluated 2025-08-31.

Conditions:
Inborn genetic diseases. Identifiers: MedGen C0950123, MeSH D030342.

Allele frequency attached by ClinVar (database versions not stated): gnomAD exomes below 0.00001 and 0.00001; gnomAD 0.00001; ExAC 0.00002; TOPMed 0.00002; ESP Exome Variant Server 0.00008.
gnomAD v4.1: 5 of 1,613,996 alleles (0.00031%); highest among the groups gnomAD compares: African/African-American, 0.0027%; no homozygotes.

Submissions (2):

Ambry Genetics
Classification: Uncertain significance for Inborn genetic diseases. Last evaluated: 2025-08-31. Review status: criteria provided, single submitter. Criteria: Ambry Variant Classification Scheme 2023. Collection method: clinical testing. Allele origin: germline.

Labcorp Genetics (formerly Invitae), Labcorp
Classification: Uncertain significance. Last evaluated: 2024-05-13. Review status: criteria provided, single submitter. Criteria: Invitae Variant Classification Sherloc (09022015). Collection method: clinical testing. Allele origin: germline.
Comment: This sequence change replaces histidine, which is basic and polar, with arginine, which is basic and polar, at codon 2776 of the VCAN protein (p.His2776Arg). This variant is present in population databases (rs142481399, gnomAD 0.007%). This variant has not been reported in the literature in individuals affected with VCAN-related conditions. ClinVar contains an entry for this variant (Variation ID: 1397401). An algorithm developed to predict the effect of missense changes on protein structure and function (PolyPhen-2) suggests that this variant is likely to be tolerated. In summary, the available evidence is currently insufficient to determine the role of this variant in disease. Therefore, it has been classified as a Variant of Uncertain Significance.